The following is an entry in ClinVar:

NM_004628.5(XPC):c.2247G>A (p.Gly749=)

Gene: XPC (XPC complex subunit, DNA damage recognition and repair factor; minus strand). Cytogenetic location: 3p25.1.
Variant type: single nucleotide variant.
Coding change: c.2247G>A on transcript NM_004628.5 (MANE Select); coding-DNA position 2247, G replaced by A.
Protein change: p.Gly749=; no amino-acid change (glycine 749 retained).
Molecular consequence: synonymous variant. On other transcripts: non-coding transcript variant (2).
Genome position (GRCh38, 1-based): chr3:14,148,817, C>T on the plus strand (G>A on the coding strand, the complement: XPC is on the minus strand). VCF-style: chr3-14148817-C-T. GRCh37 (hg19) VCF-style: chr3-14190317-C-T.
Other names: c.1668G>A, p.Gly556= (NM_001354726.2); c.2241G>A, p.Gly747= (NM_001354727.2); c.2229G>A, p.Gly743= (NM_001354729.2); c.2001G>A, p.Gly667= (NM_001354730.2).
Identifiers: ClinVar variation 3234766 (VCV003234766.20), dbSNP rs2470226996, ClinGen allele CA432813516.
Genomic context (GRCh38, chr3:14,148,817, plus strand): 5'-TTGGCCAGCAGGGGAACAAGGCGGCCTGGTCCTGAGCCCTTCTGATGCTGCCCTTACCTT[C>T]CCGTCCACGGCCACTGGGGGCTGATACTCCTCTGTCTGCCAGTAGCCAAACAGGCCCAGG-3'
Protein context (NP_004619.3, residues 739-759): EEYQPPVAVD[Gly749=]KVPRNEFGNV

ClinVar aggregate classification (germline): Likely benign (1 of 4 stars; one submission).

Allele frequency attached by ClinVar (database versions not stated): gnomAD 0.00001.
gnomAD v4.1: 1 of 1,613,902 alleles (0.000062%); highest among the groups gnomAD compares: East Asian, 0.0022%; no homozygotes.

Submission:

CeGaT Center for Human Genetics Tuebingen
Classification: Likely benign. Last evaluated: 2024-04-01. Review status: criteria provided, single submitter. Criteria: CeGaT Center For Human Genetics Tuebingen Variant Classification Criteria Version 2. Collection method: clinical testing. Allele origin: germline. Affected: yes. Observed: 1 variant allele.
Comment: XPC: BP4, BP7